The following is an entry in ClinVar:

ClinVar aggregate classification (germline): Likely pathogenic (1 of 4 stars; one submission).

Conditions:
Hyperinsulinemic hypoglycemia, familial, 1 (HHF1). Also called: Persistent hyperinsulinemic hypoglycemia of infancy; HYPERINSULINISM, FAMILIAL, WITH PANCREATIC NESIDIOBLASTOSIS; HYPOGLYCEMIA, HYPERINSULINEMIC, OF INFANCY; NESIDIOBLASTOSIS OF PANCREAS; Persistent Hyperinsulinemia Hypoglycemia of Infancy. Identifiers: Orphanet 276575, Orphanet 276598, MedGen C2931832, MONDO:0009734, OMIM 256450.

Submission:

Myriad Genetics, Inc.
Classification: Likely pathogenic for Hyperinsulinemic hypoglycemia, familial, 1. Last evaluated: 2021-12-30. Review status: criteria provided, single submitter. Criteria: Myriad Women's Health Autosomal Recessive and X-Linked Classification Criteria (2021). Collection method: clinical testing. Allele origin: unknown.
Comment: NM_000352.3(ABCC8):c.1945A>T(K649*) is expected to be pathogenic in the context of familial hyperinsulinism, ABCC8-related. This variant is predicted to lead to an abnormal or absent protein product due to the creation of a premature termination codon in ABCC8, a gene where loss-of-function variants are known to be pathogenic. Please note: this variant was assessed in the context of healthy population screening.

NM_000352.6(ABCC8):c.1945A>T (p.Lys649Ter)

Gene: ABCC8 (ATP binding cassette subfamily C member 8; minus strand). Cytogenetic location: 11p15.1.
Variant type: single nucleotide variant.
Coding change: c.1945A>T on transcript NM_000352.6 (MANE Select); coding-DNA position 1945, A replaced by T.
Protein change: p.Lys649Ter; replaces lysine 649 with a stop codon.
Molecular consequence: nonsense. On other transcripts: non-coding transcript variant (1).
Genome position (GRCh38, 1-based): chr11:17,428,384, T>A on the plus strand (A>T on the coding strand, the complement: ABCC8 is on the minus strand). VCF-style: chr11-17428384-T-A. GRCh37 (hg19) VCF-style: chr11-17449931-T-A.
Other names: c.1945A>T, p.Lys649Ter (NM_001287174.3); c.2011A>T, p.Lys671Ter (NM_001351295.2); c.1942A>T, p.Lys648Ter (NM_001351296.2, NM_001351297.2); short protein forms K648*, K649*, K671*.
Identifiers: ClinVar variation 1726667 (VCV001726667.2), dbSNP rs2496668620, ClinGen allele CA379815387.
Genomic context (GRCh38, chr11:17,428,384, plus strand): 5'-TGGGGACCAGGCTCTGCAGTGGGCCGGTGAGGCCCCGACAATCCTCCCGGGCTGGACGCT[T>A]GCGGTTCACAACCCTGAGGGGCTGGGGGTGGTTTGGAGGTGAGGACCCACTGGGCTGGGA-3'